The following is an entry in ClinVar:

NM_130384.3(ATRIP):c.382-3C>T

Genes: ATRIP (ATR interacting protein; plus strand), ATRIP-TREX1 (ATRIP-TREX1 readthrough; plus strand). Cytogenetic location: 3p21.31.
Variant type: single nucleotide variant.
Coding change: c.382-3C>T on transcript NM_130384.3 (MANE Select); 3 bases into the intron before coding-DNA position 382, C replaced by T.
Molecular consequence: intron variant.
Genome position (GRCh38, 1-based): chr3:48,451,726, C>T. VCF-style: chr3-48451726-C-T. GRCh37 (hg19) VCF-style: chr3-48493132-C-T.
Other names: c.382-3C>T (NM_032166.4); c.1-3C>T (NM_001271022.2); c.103-3C>T (NM_001271023.2).
Identifiers: ClinVar variation 4644577 (VCV004644577.1).

ClinVar aggregate classification (germline): Uncertain significance (1 of 4 stars; one submission).

gnomAD v4.1: 4 of 1,576,334 alleles (0.00025%); highest among the groups gnomAD compares: South Asian, 0.0035%; no homozygotes.

Submission:

Ambry Genetics
Classification: Uncertain significance. Last evaluated: 2025-11-07. Review status: criteria provided, single submitter. Criteria: Ambry Variant Classification Scheme 2023. Collection method: clinical testing. Allele origin: germline.
Comment: The c.382-3C>T intronic variant results from a C to T substitution 3 nucleotides upstream from coding exon 3 in the ATRIP gene. This nucleotide position is well conserved in available vertebrate species. In silico splice site analysis predicts that this alteration will not have any significant effect on splicing. The evidence for this gene-disease relationship is limited; therefore, the clinical significance of this alteration is unclear.